The following is an entry in ClinVar:

NM_015340.4(LARS2):c.1123+8G>C

Genes: LARS2 (leucyl-tRNA synthetase 2, mitochondrial; plus strand), LARS2-AS1 (LARS2 antisense RNA 1; minus strand). Cytogenetic location: 3p21.31.
Variant type: single nucleotide variant.
Coding change: c.1123+8G>C on transcript NM_015340.4 (MANE Select); 8 bases into the intron after coding-DNA position 1123, G replaced by C.
Molecular consequence: intron variant.
Genome position (GRCh38, 1-based): chr3:45,485,804, G>C. VCF-style: chr3-45485804-G-C. GRCh37 (hg19) VCF-style: chr3-45527296-G-C.
Other names: c.1123+8G>C (NM_001368263.1).
Identifiers: ClinVar variation 505032 (VCV000505032.8), dbSNP rs770963717, ClinGen allele CA2349512.

ClinVar aggregate classification (germline): Likely benign. Review status: criteria provided, multiple submitters, no conflicts (2 of 4 stars). 2 submissions from 2 submitters: Likely benign (2). Last evaluated 2022-05-21.

Allele frequency attached by ClinVar (database versions not stated): ExAC 0.00001; gnomAD exomes 0.00001; gnomAD 0.00003 and 0.00004; TOPMed 0.00005.
gnomAD v4.1: 10 of 1,552,830 alleles (0.00064%); highest among the groups gnomAD compares: Middle Eastern, 0.017%; no homozygotes.

Submissions (2):

Labcorp Genetics (formerly Invitae), Labcorp
Classification: Likely benign. Last evaluated: 2022-05-21. Review status: criteria provided, single submitter. Criteria: Invitae Variant Classification Sherloc (09022015). Collection method: clinical testing. Allele origin: germline.

Laboratory for Molecular Medicine, Mass General Brigham Personalized Medicine
Classification: Likely benign. Last evaluated: 2016-05-21. Review status: criteria provided, single submitter. Criteria: LMM Criteria. Collection method: clinical testing. Allele origin: germline. Observed: 1 variant allele.
Comment: c.1123+8G>C in intron 11 of LARS2: This variant is not expected to have clinical significance because it is not located within the splice consensus sequence. It has been identified in 1/10322 African chromosomes by the Exome Aggregation Con sortium (ExAC; dbSNP rs770963717).